The following is an entry in ClinVar:

NM_000284.4(PDHA1):c.224A>C (p.Glu75Ala)

Gene: PDHA1 (pyruvate dehydrogenase E1 subunit alpha 1; plus strand). Cytogenetic location: Xp22.12.
Variant type: single nucleotide variant.
Coding change: c.224A>C on transcript NM_000284.4 (MANE Select); coding-DNA position 224, A replaced by C.
Protein change: p.Glu75Ala; replaces glutamic acid 75 with alanine.
Molecular consequence: missense variant.
Genome position (GRCh38, 1-based): chrX:19,350,043, A>C. VCF-style: chrX-19350043-A-C. GRCh37 (hg19) VCF-style: chrX-19368161-A-C.
Other names: c.338A>C, p.Glu113Ala (NM_001173454.2); c.224A>C, p.Glu75Ala (NM_001173455.2, NM_001173456.2); short protein forms E113A, E75A.
Identifiers: ClinVar variation 4070299 (VCV004070299.1).

ClinVar aggregate classification (germline): Pathogenic (0 of 4 stars; one submission).

Conditions:
Pyruvate dehydrogenase E1-alpha deficiency (PDHAD). Also called: ATAXIA, INTERMITTENT, WITH PYRUVATE DEHYDROGENASE DEFICIENCY; ATAXIA WITH LACTIC ACIDOSIS I; ATAXIA, INTERMITTENT, WITH ABNORMAL PYRUVATE METABOLISM; Ataxia, intermittent, with pyruvate dehydrogenase, or decarboxylase, deficiency. Identifiers: Orphanet 79243, MedGen C1839413, MONDO:0010717, OMIM 312170.

Submission:

PDHA1 Study Group, University Children’s Hospital, Paracelsus Medical University
Classification: Pathogenic for Pyruvate dehydrogenase E1-alpha deficiency. Last evaluated: 2024-10-15. Review status: no assertion criteria provided. Collection method: research. Allele origin: inherited. Affected: yes. Observed: 1 variant allele.
Comment: The NM_000284.3:c.224A>C (p.Glu75Ala) substitution is a missense variant in PDHA1 gene. Among them, 1 were confirmed inherited. The variant has been reported in 1 published case (PMIDs: 18559466, 21914562). Last literature search: July 12, 2024. This variant is absent or extremely rare in population-based cohorts in the Genome Aggregation Database (gnomAD). Individuals harboring this variant presented with clinical features compatible with PDHA1-related PDHc deficiency. In summary, this variant meets criteria to be classified as pathogenic (P) for PDHA1-related PDHc deficiency based on the ACMG/AMP criteria applied: PS3, PM1, PM2, PM7, PP3 (last assessment October 15, 2024).

Literature cited by the submitters: PubMed 18559466; PubMed 21914562; DOI 10.1093/brain/awaf430.